The following is an entry in ClinVar:

ClinVar aggregate classification (germline): Benign/Likely benign. Review status: criteria provided, multiple submitters, no conflicts (2 of 4 stars). 4 submissions from 2 submitters: Benign (3); Likely benign (1). Last evaluated 2026-02-03.

Conditions:
Paroxysmal extreme pain disorder (PEXPD). Also called: PAIN, SUBMANDIBULAR, OCULAR, AND RECTAL, WITH FLUSHING; RECTAL PAIN, FAMILIAL; SCN9A Paroxysmal Extreme Pain Disorder (SCN9A-PEPD). Identifiers: Orphanet 46348, MedGen C1833661, MONDO:0008179, OMIM 167400.
Neuropathy, hereditary sensory and autonomic, type 2A (HSAN2A). Also called: MORVAN DISEASE; NEUROPATHY, CONGENITAL SENSORY; NEUROPATHY, HEREDITARY SENSORY RADICULAR, AUTOSOMAL RECESSIVE; NEUROPATHY, HEREDITARY SENSORY, TYPE IIA; NEUROPATHY, PROGRESSIVE SENSORY, OF CHILDREN; HSAN IIA. Identifiers: Orphanet 970, MedGen C2752089, MONDO:0024309, OMIM 201300.
Generalized epilepsy with febrile seizures plus, type 7 (GEFSP7). Also called: GEFS+, TYPE 7. Identifiers: Orphanet 36387, MedGen C2751778, MONDO:0013470, OMIM 613863.
Channelopathy-associated congenital insensitivity to pain, autosomal recessive. Also called: Insensitivity to pain, channelopathy-associated; ASYMBOLIA FOR PAIN; CONGENITAL ANALGESIA, AUTOSOMAL RECESSIVE. Identifiers: Orphanet 88642, Orphanet 970, MedGen C1855739, MONDO:0009459, OMIM 243000.
Primary erythromelalgia. Also called: SCN9A Erythromelalgia (SCN9A-EM); primary erythermalgia. Identifiers: Orphanet 306577, Orphanet 90026, MedGen C0014805, MONDO:0007571, OMIM 133020.

Allele frequency attached by ClinVar (database versions not stated): gnomAD 0.00005 and 0.00025; TOPMed 0.00006; gnomAD exomes 0.00032 and 0.00076; ExAC 0.00086; 1000 Genomes Project 30x 0.00156; 1000 Genomes Project 0.00200.
gnomAD v4.1: 514 of 1,614,054 alleles (0.032%); highest among the groups gnomAD compares: South Asian, 0.51%; 4 homozygotes.

Submissions (4):

Labcorp Genetics (formerly Invitae), Labcorp
Classification: Benign for Neuropathy, hereditary sensory and autonomic, type 2A; Generalized epilepsy with febrile seizures plus, type 7. Last evaluated: 2026-02-03. Review status: criteria provided, single submitter. Criteria: Invitae Variant Classification Sherloc (09022015). Collection method: clinical testing. Allele origin: germline.

Illumina Laboratory Services, Illumina
Classification: Likely benign for Channelopathy-associated congenital insensitivity to pain, autosomal recessive. Last evaluated: 2018-01-13. Review status: criteria provided, single submitter. Criteria: ICSL Variant Classification Criteria 13 December 2019. Collection method: clinical testing. Allele origin: germline.
Comment: This variant was observed in the ICSL laboratory as part of a predisposition screen in an ostensibly healthy population. It had not been previously curated by ICSL or reported in the Human Gene Mutation Database (HGMD: prior to June 1st, 2018), and was therefore a candidate for classification through an automated scoring system. Utilizing variant allele frequency, disease prevalence and penetrance estimates, and inheritance mode, an automated score was calculated to assess if this variant is too frequent to cause the disease. Based on the score and internal cut-off values, a variant classified as likely benign is not then subjected to further curation. The score for this variant resulted in a classification of likely benign for this disease.

Illumina Laboratory Services, Illumina
Classification: Benign for Paroxysmal extreme pain disorder. Last evaluated: 2018-01-13. Review status: criteria provided, single submitter. Criteria: ICSL Variant Classification Criteria 13 December 2019. Collection method: clinical testing. Allele origin: germline.
Comment: This variant was observed in the ICSL laboratory as part of a predisposition screen in an ostensibly healthy population. It had not been previously curated by ICSL or reported in the Human Gene Mutation Database (HGMD: prior to June 1st, 2018), and was therefore a candidate for classification through an automated scoring system. Utilizing variant allele frequency, disease prevalence and penetrance estimates, and inheritance mode, an automated score was calculated to assess if this variant is too frequent to cause the disease. Based on the score and internal cut-off values, a variant classified as benign is not then subjected to further curation. The score for this variant resulted in a classification of benign for this disease.

Illumina Laboratory Services, Illumina
Classification: Benign for Primary erythromelalgia. Last evaluated: 2018-01-13. Review status: criteria provided, single submitter. Criteria: ICSL Variant Classification Criteria 13 December 2019. Collection method: clinical testing. Allele origin: germline.
Comment: the same text as in the submission from Illumina Laboratory Services, Illumina above.

NM_001365536.1(SCN9A):c.1838C>T (p.Pro613Leu)

Genes: SCN9A (sodium voltage-gated channel alpha subunit 9; minus strand), SCN1A-AS1 (SCN1A and SCN9A antisense RNA 1; plus strand). Cytogenetic location: 2q24.3.
Variant type: single nucleotide variant.
Coding change: c.1838C>T on transcript NM_001365536.1 (MANE Select); coding-DNA position 1838, C replaced by T.
Protein change: p.Pro613Leu; replaces proline 613 with leucine.
Molecular consequence: missense variant.
Genome position (GRCh38, 1-based): chr2:166,284,589, G>A on the plus strand (C>T on the coding strand, the complement: SCN9A is on the minus strand). VCF-style: chr2-166284589-G-A. GRCh37 (hg19) VCF-style: chr2-167141099-G-A.
Other names: c.1838C>T, p.Pro613Leu (NM_002977.4); short protein forms P613L.
Identifiers: ClinVar variation 331985 (VCV000331985.16), dbSNP rs200671761, ClinGen allele CA1944422.